The following is an entry in ClinVar:

ClinVar aggregate classification (germline): Benign/Likely benign. Review status: criteria provided, multiple submitters, no conflicts (2 of 4 stars). 8 submissions from 2 submitters: Benign (7); Likely benign (1). Last evaluated 2021-08-21.

Conditions:
Stiff skin syndrome (SSKS). Identifiers: Orphanet 2833, MedGen C1861456, MONDO:0008492, OMIM 184900.
Geleophysic dysplasia. Identifiers: Orphanet 2623, MedGen C3489726, MONDO:0000127.
Weill-Marchesani syndrome. Also called: WM Syndrome; Mesodermal dysmorphodystrophy congenital. Identifiers: Orphanet 3449, MedGen C0265313, MONDO:0018096.
Acromicric dysplasia (ACMICD). Also called: Acromicric skeletal dysplasia. Identifiers: Orphanet 969, MedGen C0265287, MONDO:0007055, OMIM 102370.
Ectopia lentis 1, isolated, autosomal dominant (ECTOL1). Identifiers: Orphanet 1885, MedGen C3541518, MONDO:0007514, OMIM 129600.
Marfan syndrome (MFS). Also called: Marfan syndrome type 1; Marfan's syndrome; MARFAN SYNDROME, TYPE I; Marfan syndrome, classic; FBN1-Related Marfan Syndrome. Identifiers: Orphanet 284963, Orphanet 558, MedGen C0024796, MONDO:0007947, OMIM 154700.
Familial thoracic aortic aneurysm and aortic dissection (TAAD). Also called: Thoracic aortic aneurysms and dissections. Identifiers: Orphanet 91387, MedGen C4707243, MONDO:0019625.

Allele frequency attached by ClinVar (database versions not stated): 1000 Genomes Project 0.00379; gnomAD 0.00772 and 0.00798; TOPMed 0.00388; gnomAD exomes 0.03953; 1000 Genomes Project 30x 0.00390.
gnomAD v4.1: 1,177 of 152,660 alleles (0.77%); highest among the groups gnomAD compares: Non-Finnish European, 0.78%; 13 homozygotes.

Submissions (8):

GeneDx
Classification: Benign. Last evaluated: 2021-08-21. Review status: criteria provided, single submitter. Criteria: GeneDx Variant Classification Process June 2021. Collection method: clinical testing. Allele origin: germline. Affected: yes.

Illumina Laboratory Services, Illumina
Classification: Benign for Weill-Marchesani syndrome. Last evaluated: 2018-01-12. Review status: criteria provided, single submitter. Criteria: ICSL Variant Classification Criteria 13 December 2019. Collection method: clinical testing. Allele origin: germline.
Comment: This variant was observed in the ICSL laboratory as part of a predisposition screen in an ostensibly healthy population. It had not been previously curated by ICSL or reported in the Human Gene Mutation Database (HGMD: prior to June 1st, 2018), and was therefore a candidate for classification through an automated scoring system. Utilizing variant allele frequency, disease prevalence and penetrance estimates, and inheritance mode, an automated score was calculated to assess if this variant is too frequent to cause the disease. Based on the score and internal cut-off values, a variant classified as benign is not then subjected to further curation. The score for this variant resulted in a classification of benign for this disease.

Illumina Laboratory Services, Illumina
Classification: Benign for Stiff skin syndrome. Last evaluated: 2018-01-12. Review status: criteria provided, single submitter. Criteria: ICSL Variant Classification Criteria 13 December 2019. Collection method: clinical testing. Allele origin: germline.
Comment: the same text as in the submission from Illumina Laboratory Services, Illumina above.

Illumina Laboratory Services, Illumina
Classification: Benign for Ectopia lentis 1, isolated, autosomal dominant. Last evaluated: 2018-01-12. Review status: criteria provided, single submitter. Criteria: ICSL Variant Classification Criteria 13 December 2019. Collection method: clinical testing. Allele origin: germline.
Comment: the same text as in the submission from Illumina Laboratory Services, Illumina above.

Illumina Laboratory Services, Illumina
Classification: Benign for Marfan syndrome. Last evaluated: 2018-01-12. Review status: criteria provided, single submitter. Criteria: ICSL Variant Classification Criteria 13 December 2019. Collection method: clinical testing. Allele origin: germline.
Comment: the same text as in the submission from Illumina Laboratory Services, Illumina above.

Illumina Laboratory Services, Illumina
Classification: Likely benign for Familial thoracic aortic aneurysm and aortic dissection. Last evaluated: 2018-01-12. Review status: criteria provided, single submitter. Criteria: ICSL Variant Classification Criteria 13 December 2019. Collection method: clinical testing. Allele origin: germline.
Comment: This variant was observed in the ICSL laboratory as part of a predisposition screen in an ostensibly healthy population. It had not been previously curated by ICSL or reported in the Human Gene Mutation Database (HGMD: prior to June 1st, 2018), and was therefore a candidate for classification through an automated scoring system. Utilizing variant allele frequency, disease prevalence and penetrance estimates, and inheritance mode, an automated score was calculated to assess if this variant is too frequent to cause the disease. Based on the score and internal cut-off values, a variant classified as likely benign is not then subjected to further curation. The score for this variant resulted in a classification of likely benign for this disease.

Illumina Laboratory Services, Illumina
Classification: Benign for Geleophysic dysplasia. Last evaluated: 2018-01-12. Review status: criteria provided, single submitter. Criteria: ICSL Variant Classification Criteria 13 December 2019. Collection method: clinical testing. Allele origin: germline.
Comment: the same text as in the submission from Illumina Laboratory Services, Illumina above.

Illumina Laboratory Services, Illumina
Classification: Benign for Acromicric dysplasia. Last evaluated: 2018-01-12. Review status: criteria provided, single submitter. Criteria: ICSL Variant Classification Criteria 13 December 2019. Collection method: clinical testing. Allele origin: germline.
Comment: the same text as in the submission from Illumina Laboratory Services, Illumina above.

NM_000138.5(FBN1):c.*867G>T

Gene: FBN1 (fibrillin 1; minus strand). Cytogenetic location: 15q21.1.
Variant type: single nucleotide variant.
Coding change: c.*867G>T on transcript NM_000138.5 (MANE Select); 867 bases downstream of the stop codon, G replaced by T.
Molecular consequence: 3 prime UTR variant.
Genome position (GRCh38, 1-based): chr15:48,410,123, C>A on the plus strand (G>T on the coding strand, the complement: FBN1 is on the minus strand). VCF-style: chr15-48410123-C-A. GRCh37 (hg19) VCF-style: chr15-48702320-C-A.
Identifiers: ClinVar variation 316349 (VCV000316349.6), dbSNP rs189749406, ClinGen allele CA10646184.
Genomic context (GRCh38, chr15:48,410,123, plus strand): 5'-AGCCAAGGGGTAAACTAAAAAAAAGAAGAGATTGTTTTATTGTGACATTTATGACATTGA[C>A]CCCTTGTTGACAGGAATGACCGAGGGTAATCTTGGCATATTGCACATGCTGTGATGAAGG-3'